The following is an entry in ClinVar:

ClinVar aggregate classification (germline): Pathogenic (1 of 4 stars; one submission).

Conditions:
Hereditary spastic paraplegia 11. Also called: SPASTIC PARAPLEGIA, AUTOSOMAL RECESSIVE, COMPLICATED, WITH THIN CORPUS CALLOSUM; SPASTIC PARAPLEGIA, AUTOSOMAL RECESSIVE, WITH MENTAL IMPAIRMENT AND THIN CORPUS CALLOSUM; Spastic paraplegia, mental retardation and thin corpus callosum; Spastic Paraplegia 11; Nakamura Osame syndrome; Autosomal recessive hereditary spastic paraplegia, mental impairment, and thin corpus callosum. Identifiers: Orphanet 2822, MedGen C1858479, MONDO:0011445, OMIM 604360.

Allele frequency attached by ClinVar (database versions not stated): gnomAD exomes below 0.00001.
gnomAD v4.1: 1 of 1,614,196 alleles (0.000062%); highest among the groups gnomAD compares: Admixed American, 0.0017%; no homozygotes.

Submission:

Labcorp Genetics (formerly Invitae), Labcorp
Classification: Pathogenic for Hereditary spastic paraplegia 11. Last evaluated: 2021-07-26. Review status: criteria provided, single submitter. Criteria: Invitae Variant Classification Sherloc (09022015). Collection method: clinical testing. Allele origin: germline.
Comment: For these reasons, this variant has been classified as Pathogenic. This variant has not been reported in the literature in individuals with SPG11-related conditions. This variant is not present in population databases (ExAC no frequency). This sequence change creates a premature translational stop signal (p.Ser1521*) in the SPG11 gene. It is expected to result in an absent or disrupted protein product. Loss-of-function variants in SPG11 are known to be pathogenic (PMID: 19105190, 20110243, 22154821, 26556829).

Literature cited by the submitters: PubMed 19105190; PubMed 20110243; PubMed 22154821; PubMed 26556829.

NM_025137.4(SPG11):c.4562C>G (p.Ser1521Ter)

Gene: SPG11 (SPG11 vesicle trafficking associated, spatacsin; minus strand). Cytogenetic location: 15q21.1.
Variant type: single nucleotide variant.
Coding change: c.4562C>G on transcript NM_025137.4 (MANE Select); coding-DNA position 4562, C replaced by G.
Protein change: p.Ser1521Ter; replaces serine 1521 with a stop codon.
Molecular consequence: nonsense.
Genome position (GRCh38, 1-based): chr15:44,595,332, G>C on the plus strand (C>G on the coding strand, the complement: SPG11 is on the minus strand). VCF-style: chr15-44595332-G-C. GRCh37 (hg19) VCF-style: chr15-44887530-G-C.
Other names: c.4562C>G, p.Ser1521Ter (NM_001160227.2); short protein forms S1521*.
Identifiers: ClinVar variation 1451550 (VCV001451550.6), dbSNP rs1337761270, ClinGen allele CA392226239.
Genomic context (GRCh38, chr15:44,595,332, plus strand): 5'-TGGAAACCTCTGATGAGAGTTTTGCTCTTTTGTCTTGTTAATAATGTTCTCCAGATGACT[G>C]AAAGATCCTCAAGGTTCCAGGTATGGTCCTCTGTTGAGTCCTGAATGTGTCCCATTGCTT-3'